The following is an entry in ClinVar:

ClinVar aggregate classification (germline): Likely benign (1 of 4 stars; one submission).

Conditions:
OTOGL-related disorder. Also called: OTOGL-related condition.

gnomAD v4.1: 4 of 1,520,706 alleles (0.00026%); highest among the groups gnomAD compares: African/African-American, 0.0056%; no homozygotes.

Submission:

PreventionGenetics, part of Exact Sciences
Classification: Likely benign for OTOGL-related condition. Last evaluated: 2025-04-16. Review status: criteria provided, single submitter. Criteria: ACMG Guidelines, 2015. Collection method: clinical testing. Allele origin: germline.
Comment: This variant is classified as likely benign based on ACMG/AMP sequence variant interpretation guidelines (Richards et al. 2015 PMID: 25741868, with internal and published modifications).

NM_001378609.3(OTOGL):c.4746T>C (p.Asn1582=)

Gene: OTOGL (otogelin like; plus strand). Cytogenetic location: 12q21.31.
Variant type: single nucleotide variant.
Coding change: c.4746T>C on transcript NM_001378609.3 (MANE Select); coding-DNA position 4746, T replaced by C.
Protein change: p.Asn1582=; no amino-acid change (asparagine 1582 retained).
Molecular consequence: synonymous variant.
Genome position (GRCh38, 1-based): chr12:80,336,799, T>C. VCF-style: chr12-80336799-T-C. GRCh37 (hg19) VCF-style: chr12-80730579-T-C.
Other names: c.4611T>C, p.Asn1537= (NM_001368062.3); c.4746T>C, p.Asn1582= (NM_001378610.3, NM_173591.7).
Identifiers: ClinVar variation 4978977 (VCV004978977.1).